The following is an entry in ClinVar:

ClinVar aggregate classification (germline): Uncertain significance (1 of 4 stars; one submission).

Conditions:
Developmental and epileptic encephalopathy, 23 (DEE23). Also called: Epileptic encephalopathy, early infantile, 23. Identifiers: Orphanet 411986, MedGen C4014492, MONDO:0014371, OMIM 615859.

Allele frequency attached by ClinVar (database versions not stated): gnomAD exomes 0.00001; TOPMed below 0.00001; ExAC 0.00001.
gnomAD v4.1: 2 of 1,613,940 alleles (0.00012%); highest among the groups gnomAD compares: Admixed American, 0.0017%; no homozygotes.

Submission:

Labcorp Genetics (formerly Invitae), Labcorp
Classification: Uncertain significance for Developmental and epileptic encephalopathy, 23. Last evaluated: 2022-04-21. Review status: criteria provided, single submitter. Criteria: Invitae Variant Classification Sherloc (09022015). Collection method: clinical testing. Allele origin: germline.
Comment: This sequence change replaces leucine, which is neutral and non-polar, with isoleucine, which is neutral and non-polar, at codon 845 of the DOCK7 protein (p.Leu845Ile). This variant is present in population databases (rs767244635, gnomAD 0.006%). This variant has not been reported in the literature in individuals affected with DOCK7-related conditions. Algorithms developed to predict the effect of missense changes on protein structure and function are either unavailable or do not agree on the potential impact of this missense change (SIFT: "Deleterious"; PolyPhen-2: "Probably Damaging"; Align-GVGD: "Class C0"). In summary, the available evidence is currently insufficient to determine the role of this variant in disease. Therefore, it has been classified as a Variant of Uncertain Significance.

NM_001367561.1(DOCK7):c.2533C>A (p.Leu845Ile)

Gene: DOCK7 (dedicator of cytokinesis 7; minus strand). Cytogenetic location: 1p31.3.
Variant type: single nucleotide variant.
Coding change: c.2533C>A on transcript NM_001367561.1 (MANE Select); coding-DNA position 2533, C replaced by A.
Protein change: p.Leu845Ile; replaces leucine 845 with isoleucine.
Molecular consequence: missense variant.
Genome position (GRCh38, 1-based): chr1:62,555,888, G>T on the plus strand (C>A on the coding strand, the complement: DOCK7 is on the minus strand). VCF-style: chr1-62555888-G-T. GRCh37 (hg19) VCF-style: chr1-63021559-G-T.
Other names: c.2533C>A, p.Leu845Ile (NM_001271999.2, NM_001272000.2, NM_001272001.2 and 2 more transcripts); short protein forms L845I.
Identifiers: ClinVar variation 1380014 (VCV001380014.7), dbSNP rs767244635, ClinGen allele CA886245.